The following is an entry in ClinVar:

NM_000051.4(ATM):c.1158GAA[1] (p.Lys388del)

Gene: ATM (ATM serine/threonine kinase; plus strand). Cytogenetic location: 11q22.3.
Variant type: Microsatellite.
Coding change: c.1158GAA[1] on transcript NM_000051.4 (MANE Select); one copy of the 3-base unit GAA starting at c.1158; the reference has two copies in a row; one copy, 3 bases deleted.
Protein change: p.Lys388del; deletes lysine 388.
Molecular consequence: inframe deletion.
Genome position (GRCh38, 1-based): chr11:108,249,028-108,249,030, GAA deleted; deleting any 3 consecutive bases within chr11:108,249,025-108,249,030 gives the same sequence; the position shown is the placement nearest the transcript's 3' end. VCF-style (leftmost placement, unchanged base first): chr11-108249024-GGAA-G. GRCh37 (hg19) VCF-style: chr11-108119751-GGAA-G.
Other names: c.1158GAA[1], p.Lys388del (NM_001351834.2); short protein forms K388del.
Identifiers: ClinVar variation 3335931 (VCV003335931.1).
Genomic context (GRCh38, chr11:108,249,024, plus strand): 5'-TTTCTCAATCTTACACTACTACACAAAGAGAATCTAGTGATTACAGTGTCCCTTGCAAAA[GGAA>G]GAAAATAGAACTAGGCTGGGAAGTAATAAAAGATCACCTTCAGAAGTCACAGAATGATTT-3'

ClinVar aggregate classification (germline): Uncertain significance (1 of 4 stars; one submission).

Conditions:
Hereditary breast ovarian cancer syndrome. Also called: Hereditary breast and ovarian cancer syndrome; BRCA1- and BRCA2-Associated Hereditary Breast and Ovarian Cancer; Breast and ovarian cancer; Hereditary breast and ovarian cancer; Hereditary breast and ovarian cancer syndrome (HBOC); Hereditary breast and/or ovarian cancer syndrome. Identifiers: Orphanet 145, MedGen C0677776, MeSH D061325, MONDO:0003582. Disease mechanism: loss of function.

Submission:

German Consortium for Hereditary Breast and Ovarian Cancer, University Hospital Cologne
Classification: Uncertain significance for Hereditary breast ovarian cancer syndrome. Last evaluated: 2024-05-14. Review status: criteria provided, single submitter. Criteria: ClinGen ATM V1.1.0. Collection method: curation. Allele origin: germline.
Comment: Variant in NLS (AS 385-388); Lys387Gln homozygot in AT patient (Amirifar 2021);; According to the ClinGen ACMG ATM v1.1.0 criteria we chose this criterion: PM2 (supporting pathogenic): absent from gnomAD